The following is an entry in ClinVar:

ClinVar aggregate classification (germline): Conflicting classifications of pathogenicity. Review status: criteria provided, conflicting classifications (1 of 4 stars). 6 submissions from 6 submitters: Uncertain significance (3); Likely benign (2). 1 of the submissions does not count toward it. Last evaluated 2026-01-24.

Conditions:
IFT172-related disorder. Also called: IFT172-related condition; IFT172-related disorders.
Retinitis pigmentosa 71 (RP71). Identifiers: Orphanet 791, MedGen C4225342, MONDO:0014618, OMIM 616394.
Short-rib thoracic dysplasia 10 with or without polydactyly (SRTD10). Identifiers: Orphanet 474, MedGen C3810175, MONDO:0014284, OMIM 615630.
Bardet-Biedl syndrome 20. Identifiers: MedGen C4310707, MONDO:0023670, OMIM 619471, MONDO:0014926.

Allele frequency attached by ClinVar (database versions not stated): gnomAD 0.00048 and 0.00043; TOPMed 0.00049; gnomAD exomes 0.00015 and 0.00006; 1000 Genomes Project 30x 0.00031; ESP Exome Variant Server 0.00069; ExAC 0.00017; 1000 Genomes Project 0.00020.
gnomAD v4.1: 150 of 1,614,164 alleles (0.0093%); highest among the groups gnomAD compares: African/African-American, 0.17%; no homozygotes.

Submissions (6):

Labcorp Genetics (formerly Invitae), Labcorp
Classification: Likely benign for Retinitis pigmentosa 71; Short-rib thoracic dysplasia 10 with or without polydactyly. Last evaluated: 2026-01-24. Review status: criteria provided, single submitter. Criteria: Invitae Variant Classification Sherloc (09022015). Collection method: clinical testing. Allele origin: germline.

Blueprint Genetics
Classification: Likely benign. Last evaluated: 2023-09-21. Review status: criteria provided, single submitter. Criteria: ACMG Guidelines, 2015. Collection method: clinical testing. Allele origin: germline.

New York Genome Center
Classification: Uncertain significance for Retinitis pigmentosa 71; Short-rib thoracic dysplasia 10 with or without polydactyly; Bardet-Biedl syndrome 20. Last evaluated: 2022-07-19. Review status: criteria provided, single submitter. Criteria: NYGC Assertion Criteria 2020. Collection method: clinical testing. Allele origin: germline. Observed: 1 heterozygote.

Fulgent Genetics
Classification: Uncertain significance for Short-rib thoracic dysplasia 10 with or without polydactyly; Retinitis pigmentosa 71; Bardet-Biedl syndrome 20. Last evaluated: 2022-02-16. Review status: criteria provided, single submitter. Criteria: ACMG Guidelines, 2015. Collection method: clinical testing. Allele origin: unknown.

GeneDx
Classification: Uncertain significance. Last evaluated: 2021-10-01. Review status: criteria provided, single submitter. Criteria: GeneDx Variant Classification Process June 2021. Collection method: clinical testing. Allele origin: germline. Affected: yes.
Comment: In silico analysis supports that this missense variant does not alter protein structure/function; Has not been previously published as pathogenic or benign to our knowledge

PreventionGenetics, part of Exact Sciences
Classification: Likely benign for IFT172-related condition. Last evaluated: 2022-09-08. Review status: no assertion criteria provided. Collection method: clinical testing. Allele origin: germline. Not counted in ClinVar's aggregate classification.
Comment: This variant is classified as likely benign based on ACMG/AMP sequence variant interpretation guidelines (Richards et al. 2015 PMID: 25741868, with internal and published modifications).

NM_015662.3(IFT172):c.4666G>A (p.Val1556Met)

Genes: IFT172 (intraflagellar transport 172; minus strand), KRTCAP3 (keratinocyte associated protein 3; plus strand). Cytogenetic location: 2p23.3.
Variant type: single nucleotide variant.
Coding change: c.4666G>A on transcript NM_015662.3 (MANE Select); coding-DNA position 4666, G replaced by A.
Protein change: p.Val1556Met; replaces valine 1556 with methionine.
Molecular consequence: missense variant. On other transcripts: 3 prime UTR variant (1).
Genome position (GRCh38, 1-based): chr2:27,446,349, C>T on the plus strand (G>A on the coding strand, the complement: IFT172 is on the minus strand). VCF-style: chr2-27446349-C-T. GRCh37 (hg19) VCF-style: chr2-27669216-C-T.
Other names: c.*54C>T (NM_001168364.2); c.4600G>A, p.Val1534Met (NM_001410739.1); short protein forms V1556M, V1534M.
Identifiers: ClinVar variation 451341 (VCV000451341.19), dbSNP rs141098495, ClinGen allele CA1579519.